The following is an entry in ClinVar:

ClinVar aggregate classification (germline): Uncertain significance. Review status: criteria provided, multiple submitters, no conflicts (2 of 4 stars). 2 submissions from 2 submitters: Uncertain significance (2). Last evaluated 2025-06-24.

Submissions (2):

Labcorp Genetics (formerly Invitae), Labcorp
Classification: Uncertain significance. Last evaluated: 2025-06-24. Review status: criteria provided, single submitter. Criteria: Invitae Variant Classification Sherloc (09022015). Collection method: clinical testing. Allele origin: germline.
Comment: This variant, c.29_34dup, results in the insertion of 2 amino acid(s) of the MBTPS2 protein (p.Val10_Val11dup), but otherwise preserves the integrity of the reading frame. This variant is not present in population databases (gnomAD no frequency). This variant has not been reported in the literature in individuals affected with MBTPS2-related conditions. ClinVar contains an entry for this variant (Variation ID: 1352669). In summary, the available evidence is currently insufficient to determine the role of this variant in disease. Therefore, it has been classified as a Variant of Uncertain Significance.

GeneDx
Classification: Uncertain significance. Last evaluated: 2024-05-22. Review status: criteria provided, single submitter. Criteria: GeneDx Variant Classification Process June 2021. Collection method: clinical testing. Allele origin: germline. Affected: yes.
Comment: Not observed at significant frequency in large population cohorts (gnomAD); In-frame insertion of 2 amino acids in a non-repeat region; Has not been previously published as pathogenic or benign to our knowledge; This variant is associated with the following publications: (PMID: 27535533)

NM_015884.4(MBTPS2):c.17TGG[8] (p.Val10_Val11dup)

Genes: MBTPS2 (membrane bound transcription factor peptidase, site 2; plus strand), LOC130068038 (ATAC-STARR-seq lymphoblastoid active region 29485; plus strand). Cytogenetic location: Xp22.12.
Variant type: Microsatellite.
Coding change: c.17TGG[8] on transcript NM_015884.4 (MANE Select); eight copies in a row of the 3-base unit TGG starting at c.17; the reference has six copies in a row; two copies, 6 bases duplicated; also written c.29_34dup.
Protein change: p.Val10_Val11dup.
Molecular consequence: inframe insertion.
Genome position (GRCh38, 1-based): chrX:21,839,763-21,839,768, TGGTGG duplicated; duplicating any 6 consecutive bases within chrX:21,839,751-21,839,768 gives the same sequence; the position shown is the placement nearest the transcript's 3' end. VCF-style (leftmost placement, unchanged base first): chrX-21839750-C-CTGGTGG. GRCh37 (hg19) VCF-style: chrX-21857868-C-CTGGTGG.
Other names: c.29_34dup (NM_015884.3).
Identifiers: ClinVar variation 1352669 (VCV001352669.7), dbSNP rs398124305, ClinGen allele CA2580616901.
Genomic context (GRCh38, chrX:21,839,750, plus strand): 5'-GAGGACGCCGGGGCTCGCCTTCCCTCCTCTGCCGCCGCTGCCGCCATGATTCCGGTGTCG[C>CTGGTGG]TGGTGGTGGTGGTGGTGGGTGGCTGGACTGTCGTCTACCTGACCGACTTGGTGCTGAAGG-3'